The following is an entry in ClinVar:

ClinVar aggregate classification (germline): Uncertain significance. Review status: criteria provided, multiple submitters, no conflicts (2 of 4 stars). 2 submissions from 2 submitters: Uncertain significance (2). Last evaluated 2024-09-10.

Conditions:
Familial sleep-related hypermotor epilepsy. Also called: Autosomal Dominant Sleep-Related Hypermotor (Hyperkinetic) Epilepsy. Identifiers: Orphanet 98784, MedGen C3696898, MONDO:0000030.

Allele frequency attached by ClinVar (database versions not stated): gnomAD exomes below 0.00001; gnomAD 0.00001; TOPMed 0.00004.
gnomAD v4.1: 2 of 1,613,510 alleles (0.00012%); highest among the groups gnomAD compares: Admixed American, 0.0017%; no homozygotes.

Submissions (2):

Ambry Genetics
Classification: Uncertain significance. Last evaluated: 2024-09-10. Review status: criteria provided, single submitter. Criteria: Ambry Variant Classification Scheme 2023. Collection method: clinical testing. Allele origin: germline.

Labcorp Genetics (formerly Invitae), Labcorp
Classification: Uncertain significance for Familial sleep-related hypermotor epilepsy. Last evaluated: 2022-09-13. Review status: criteria provided, single submitter. Criteria: Invitae Variant Classification Sherloc (09022015). Collection method: clinical testing. Allele origin: germline.
Comment: In summary, the available evidence is currently insufficient to determine the role of this variant in disease. Therefore, it has been classified as a Variant of Uncertain Significance. Algorithms developed to predict the effect of sequence changes on RNA splicing suggest that this variant may create or strengthen a splice site. Algorithms developed to predict the effect of missense changes on protein structure and function output the following: SIFT: "Tolerated"; PolyPhen-2: "Benign"; Align-GVGD: "Class C0". The serine amino acid residue is found in multiple mammalian species, which suggests that this missense change does not adversely affect protein function. ClinVar contains an entry for this variant (Variation ID: 1522111). This variant has not been reported in the literature in individuals affected with PRIMA1-related conditions. This variant is not present in population databases (gnomAD no frequency). This sequence change replaces asparagine, which is neutral and polar, with serine, which is neutral and polar, at codon 79 of the PRIMA1 protein (p.Asn79Ser).

NM_178013.4(PRIMA1):c.236A>G (p.Asn79Ser)

Gene: PRIMA1 (proline rich membrane anchor 1; minus strand). Cytogenetic location: 14q32.12.
Variant type: single nucleotide variant.
Coding change: c.236A>G on transcript NM_178013.4 (MANE Select); coding-DNA position 236, A replaced by G.
Protein change: p.Asn79Ser; replaces asparagine 79 with serine.
Molecular consequence: missense variant.
Genome position (GRCh38, 1-based): chr14:93,737,364, T>C on the plus strand (A>G on the coding strand, the complement: PRIMA1 is on the minus strand). VCF-style: chr14-93737364-T-C. GRCh37 (hg19) VCF-style: chr14-94203710-T-C.
Other names: c.236A>G (NM_178013.3); short protein forms N79S.
Identifiers: ClinVar variation 1522111 (VCV001522111.7), dbSNP rs1000407112, ClinGen allele CA265804642.